The following is an entry in ClinVar:

NM_022716.4(PRRX1):c.587C>A (p.Ala196Glu)

Gene: PRRX1 (paired related homeobox 1; plus strand). Cytogenetic location: 1q24.2.
Variant type: single nucleotide variant.
Coding change: c.587C>A on transcript NM_022716.4 (MANE Select); coding-DNA position 587, C replaced by A.
Protein change: p.Ala196Glu; replaces alanine 196 with glutamic acid.
Molecular consequence: missense variant.
Genome position (GRCh38, 1-based): chr1:170,726,389, C>A. VCF-style: chr1-170726389-C-A. GRCh37 (hg19) VCF-style: chr1-170695530-C-A.
Other names: c.587C>A, p.Ala196Glu (NM_006902.5); short protein forms A196E.
Identifiers: ClinVar variation 4885246 (VCV004885246.2).

ClinVar aggregate classification (germline): Uncertain significance (1 of 4 stars; one submission).

gnomAD v4.1: 2 of 1,613,830 alleles (0.00012%); highest among the groups gnomAD compares: Non-Finnish European, 0.00017%; no homozygotes.

Submission:

Dasa
Classification: Uncertain significance. Last evaluated: 2025-07-22. Review status: criteria provided, single submitter. Criteria: DASA Assertion Criteria. Collection method: clinical testing. Allele origin: germline.
Comment: NM_022716.4(PRRX1):c.587C>A (p.Ala196Glu) is a missense variant that results in the substitution of alanine with glutamic acid. This variant is rare in population databases. The currently available literature and clinical evidence are not sufficient to establish a definitive association between this variant and the reported condition. Therefore, this variant is classified as a variant of uncertain significance.